The following is an entry in ClinVar:

NM_001040108.2(MLH3):c.3567G>A (p.Met1189Ile)

Gene: MLH3 (mutL homolog 3; minus strand). Cytogenetic location: 14q24.3.
Variant type: single nucleotide variant.
Coding change: c.3567G>A on transcript NM_001040108.2 (MANE Select); coding-DNA position 3567, G replaced by A.
Protein change: p.Met1189Ile; replaces methionine 1189 with isoleucine.
Molecular consequence: missense variant.
Genome position (GRCh38, 1-based): chr14:75,039,914, C>T on the plus strand (G>A on the coding strand, the complement: MLH3 is on the minus strand). VCF-style: chr14-75039914-C-T. GRCh37 (hg19) VCF-style: chr14-75506617-C-T.
Other names: c.3567G>A, p.Met1189Ile (NM_014381.3); short protein forms M1189I.
Identifiers: ClinVar variation 2624127 (VCV002624127.2), dbSNP rs2503194725, ClinGen allele CA390428270.

ClinVar aggregate classification (germline): Uncertain significance (1 of 4 stars; one submission).

Allele frequency attached by ClinVar (database versions not stated): gnomAD exomes below 0.00001.

Submission:

Ambry Genetics
Classification: Uncertain significance. Last evaluated: 2023-07-08. Review status: criteria provided, single submitter. Criteria: Ambry Variant Classification Scheme 2023. Collection method: clinical testing. Allele origin: germline.
Comment: The p.M1189I variant (also known as c.3567G>A), located in coding exon 4 of the MLH3 gene, results from a G to A substitution at nucleotide position 3567. The methionine at codon 1189 is replaced by isoleucine, an amino acid with highly similar properties. This amino acid position is conserved. In addition, the in silico prediction for this alteration is inconclusive. Since supporting evidence is limited at this time, the clinical significance of this alteration remains unclear.